The following is an entry in ClinVar:

ClinVar aggregate classification (germline): Uncertain significance. Review status: criteria provided, multiple submitters, no conflicts (2 of 4 stars). 4 submissions from 4 submitters: Uncertain significance (4). Last evaluated 2026-09-03.

Conditions:
Inborn genetic diseases. Identifiers: MedGen C0950123, MeSH D030342.
PEX6-related disorder. Also called: PEX6-related disorders; PEX6-related condition.
Peroxisome biogenesis disorder. Identifiers: Orphanet 79189, MedGen C1832200, MONDO:0019234. Disease mechanism: loss of function.

Allele frequency attached by ClinVar (database versions not stated): ExAC 0.00002; gnomAD 0.00004; TOPMed 0.00004; ESP Exome Variant Server 0.00008.
gnomAD v4.1: 27 of 1,613,978 alleles (0.0017%); highest among the groups gnomAD compares: African/African-American, 0.0067%; no homozygotes.

Submissions (4):

PreventionGenetics, part of Exact Sciences
Classification: Uncertain significance for PEX6-related condition. Last evaluated: 2026-09-03. Review status: criteria provided, single submitter. Criteria: ACMG Guidelines, 2015. Collection method: clinical testing. Allele origin: germline.
Comment: The PEX6 c.2782C>T variant is predicted to result in the amino acid substitution p.Arg928Cys. To our knowledge, this variant has not been reported in the literature. This variant is reported in 0.0065% of alleles in individuals of South Asian descent in gnomAD. At this time, the clinical significance of this variant is uncertain due to the absence of conclusive functional and genetic evidence.

Ambry Genetics
Classification: Uncertain significance for Inborn genetic diseases. Last evaluated: 2025-05-13. Review status: criteria provided, single submitter. Criteria: Ambry Variant Classification Scheme 2023. Collection method: clinical testing. Allele origin: germline.

CeGaT Center for Human Genetics Tuebingen
Classification: Uncertain significance. Last evaluated: 2023-06-01. Review status: criteria provided, single submitter. Criteria: CeGaT Center For Human Genetics Tuebingen Variant Classification Criteria Version 2. Collection method: clinical testing. Allele origin: germline. Affected: yes. Observed: 1 variant allele.
Comment: PEX6: PM2

Labcorp Genetics (formerly Invitae), Labcorp
Classification: Uncertain significance for Peroxisome biogenesis disorder. Last evaluated: 2022-03-17. Review status: criteria provided, single submitter. Criteria: Invitae Variant Classification Sherloc (09022015). Collection method: clinical testing. Allele origin: germline.
Comment: This sequence change replaces arginine, which is basic and polar, with cysteine, which is neutral and slightly polar, at codon 928 of the PEX6 protein (p.Arg928Cys). This variant is present in population databases (rs374531242, gnomAD 0.006%). This variant has not been reported in the literature in individuals affected with PEX6-related conditions. Algorithms developed to predict the effect of missense changes on protein structure and function (SIFT, PolyPhen-2, Align-GVGD) all suggest that this variant is likely to be disruptive. In summary, the available evidence is currently insufficient to determine the role of this variant in disease. Therefore, it has been classified as a Variant of Uncertain Significance.

NM_000287.4(PEX6):c.2782C>T (p.Arg928Cys)

Gene: PEX6 (peroxisomal biogenesis factor 6; minus strand). Cytogenetic location: 6p21.1.
Variant type: single nucleotide variant.
Coding change: c.2782C>T on transcript NM_000287.4 (MANE Select); coding-DNA position 2782, C replaced by T.
Protein change: p.Arg928Cys; replaces arginine 928 with cysteine.
Molecular consequence: missense variant. On other transcripts: non-coding transcript variant (1).
Genome position (GRCh38, 1-based): chr6:42,964,814, G>A on the plus strand (C>T on the coding strand, the complement: PEX6 is on the minus strand). VCF-style: chr6-42964814-G-A. GRCh37 (hg19) VCF-style: chr6-42932552-G-A.
Other names: c.2782C>T (NM_000287.3); c.2518C>T, p.Arg840Cys (NM_001316313.2); short protein forms R928C, R840C.
Identifiers: ClinVar variation 2193614 (VCV002193614.29), dbSNP rs374531242, ClinGen allele CA3810911.